The following is an entry in ClinVar:

NM_000179.3(MSH6):c.2254G>C (p.Gly752Arg)

Gene: MSH6 (mutS homolog 6; plus strand). Cytogenetic location: 2p16.3.
Variant type: single nucleotide variant.
Coding change: c.2254G>C on transcript NM_000179.3 (MANE Select); coding-DNA position 2254, G replaced by C.
Protein change: p.Gly752Arg; replaces glycine 752 with arginine.
Molecular consequence: missense variant.
Genome position (GRCh38, 1-based): chr2:47,800,237, G>C. VCF-style: chr2-47800237-G-C. GRCh37 (hg19) VCF-style: chr2-48027376-G-C.
Other names: c.1864G>C, p.Gly622Arg (NM_001281492.2); c.1348G>C, p.Gly450Arg (NM_001281493.2, NM_001281494.2); short protein forms G450R, G622R, G752R.
Identifiers: ClinVar variation 1002743 (VCV001002743.9), dbSNP rs1296033854, ClinGen allele CA346752695.

ClinVar aggregate classification (germline): Uncertain significance (1 of 4 stars; one submission).

Conditions:
Hereditary nonpolyposis colorectal neoplasms. Identifiers: MedGen C0009405, MeSH D003123.

Submission:

Labcorp Genetics (formerly Invitae), Labcorp
Classification: Uncertain significance for Hereditary nonpolyposis colorectal neoplasms. Last evaluated: 2020-09-24. Review status: criteria provided, single submitter. Criteria: Invitae Variant Classification Sherloc (09022015). Collection method: clinical testing. Allele origin: germline.
Comment: In summary, the available evidence is currently insufficient to determine the role of this variant in disease. Therefore, it has been classified as a Variant of Uncertain Significance. Advanced modeling of protein sequence and biophysical properties (such as structural, functional, and spatial information, amino acid conservation, physicochemical variation, residue mobility, and thermodynamic stability) performed at Invitae indicates that this missense variant is expected to disrupt MSH6 protein function. This variant has not been reported in the literature in individuals with MSH6-related conditions. This variant is not present in population databases (ExAC no frequency). This sequence change replaces glycine with arginine at codon 752 of the MSH6 protein (p.Gly752Arg). The glycine residue is highly conserved and there is a moderate physicochemical difference between glycine and arginine.